The following is an entry in ClinVar:

ClinVar aggregate classification (germline): Uncertain significance (1 of 4 stars; one submission).

Submission:

Labcorp Genetics (formerly Invitae), Labcorp
Classification: Uncertain significance. Last evaluated: 2023-10-29. Review status: criteria provided, single submitter. Criteria: Invitae Variant Classification Sherloc (09022015). Collection method: clinical testing. Allele origin: germline.
Comment: This sequence change falls in intron 7 of the MAD2L2 gene. It does not directly change the encoded amino acid sequence of the MAD2L2 protein. It affects a nucleotide within the consensus splice site. This variant is not present in population databases (gnomAD no frequency). This variant has not been reported in the literature in individuals affected with MAD2L2-related conditions. Variants that disrupt the consensus splice site are a relatively common cause of aberrant splicing (PMID: 17576681, 9536098). Algorithms developed to predict the effect of sequence changes on RNA splicing suggest that this variant is not likely to affect RNA splicing. In summary, the available evidence is currently insufficient to determine the role of this variant in disease. Therefore, it has been classified as a Variant of Uncertain Significance.

Literature cited by the submitters: PubMed 17576681; PubMed 9536098.

NM_006341.4(MAD2L2):c.501+4A>C

Gene: MAD2L2 (mitotic arrest deficient 2 like 2; minus strand). Cytogenetic location: 1p36.22.
Variant type: single nucleotide variant.
Coding change: c.501+4A>C on transcript NM_006341.4 (MANE Select); 4 bases into the intron after coding-DNA position 501, A replaced by C.
Molecular consequence: intron variant.
Genome position (GRCh38, 1-based): chr1:11,675,654, T>G on the plus strand (A>C on the coding strand, the complement: MAD2L2 is on the minus strand). VCF-style: chr1-11675654-T-G. GRCh37 (hg19) VCF-style: chr1-11735711-T-G.
Other names: c.501+4A>C (NM_001127325.2).
Identifiers: ClinVar variation 2772812 (VCV002772812.3), dbSNP rs2521911562, ClinGen allele CA2697552166.